The following is an entry in ClinVar:

NM_001379081.2(FREM1):c.3874C>T (p.Arg1292Cys)

Gene: FREM1 (FRAS1 related extracellular matrix 1; minus strand). Cytogenetic location: 9p22.3.
Variant type: single nucleotide variant.
Coding change: c.3874C>T on transcript NM_001379081.2 (MANE Select); coding-DNA position 3874, C replaced by T.
Protein change: p.Arg1292Cys; replaces arginine 1292 with cysteine.
Molecular consequence: missense variant. On other transcripts: non-coding transcript variant (2).
Genome position (GRCh38, 1-based): chr9:14,792,850, G>A on the plus strand (C>T on the coding strand, the complement: FREM1 is on the minus strand). VCF-style: chr9-14792850-G-A. GRCh37 (hg19) VCF-style: chr9-14792848-G-A.
Other names: c.3874C>T, p.Arg1292Cys (NM_144966.7); short protein forms R1292C.
Identifiers: ClinVar variation 708381 (VCV000708381.50), dbSNP rs199806592, ClinGen allele CA4990381.

ClinVar aggregate classification (germline): Conflicting classifications of pathogenicity. Review status: criteria provided, conflicting classifications (1 of 4 stars). 5 submissions from 5 submitters: Uncertain significance (1); Likely benign (3). 1 of the submissions does not count toward it. Last evaluated 2025-11-17.

Conditions:
FREM1-related disorder. Also called: FREM1-Related Disorders; FREM1-related condition.
Oculotrichoanal syndrome (MOTA). Also called: MARLES SYNDROME; Manitoba Oculotrichoanal (MOTA) Syndrome. Identifiers: Orphanet 2717, MedGen C1855425, MONDO:0009560, OMIM 248450.

Allele frequency attached by ClinVar (database versions not stated): 1000 Genomes Project 30x 0.00016; 1000 Genomes Project 0.00020; TOPMed 0.00053; ESP Exome Variant Server 0.00059; gnomAD exomes 0.00067 and 0.00091; gnomAD 0.00078; ExAC 0.00111.
gnomAD v4.1: 1,423 of 1,594,240 alleles (0.089%); highest among the groups gnomAD compares: Non-Finnish European, 0.1%; 3 homozygotes.

Submissions (5):

Labcorp Genetics (formerly Invitae), Labcorp
Classification: Likely benign. Last evaluated: 2025-11-17. Review status: criteria provided, single submitter. Criteria: Invitae Variant Classification Sherloc (09022015). Collection method: clinical testing. Allele origin: germline.

CeGaT Center for Human Genetics Tuebingen
Classification: Likely benign. Last evaluated: 2025-06-01. Review status: criteria provided, single submitter. Criteria: CeGaT Center For Human Genetics Tuebingen Variant Classification Criteria Version 2. Collection method: clinical testing. Allele origin: germline. Affected: yes. Observed: 3 variant alleles.
Comment: FREM1: BP4

Blueprint Genetics
Classification: Likely benign. Last evaluated: 2024-11-26. Review status: criteria provided, single submitter. Criteria: ACMG Guidelines, 2015. Collection method: clinical testing. Allele origin: germline.

Illumina Laboratory Services, Illumina
Classification: Uncertain significance for Oculotrichoanal syndrome. Last evaluated: 2017-04-27. Review status: criteria provided, single submitter. Criteria: ICSL Variant Classification Criteria 13 December 2019. Collection method: clinical testing. Allele origin: germline.
Comment: This variant was observed as part of a predisposition screen in an ostensibly healthy population. A literature search was performed for the gene, cDNA change, and amino acid change (where applicable). Publications were found based on this search. However, the evidence from the literature, in combination with allele frequency data from public databases where available, was not sufficient to rule this variant in or out of causing disease. Therefore, this variant is classified as a variant of unknown significance.

PreventionGenetics, part of Exact Sciences
Classification: Likely benign for FREM1-related condition. Last evaluated: 2023-02-14. Review status: no assertion criteria provided. Collection method: clinical testing. Allele origin: germline. Not counted in ClinVar's aggregate classification.
Comment: This variant is classified as likely benign based on ACMG/AMP sequence variant interpretation guidelines (Richards et al. 2015 PMID: 25741868, with internal and published modifications).

Literature cited by the submitters: PubMed 23333812 (cited by Illumina Laboratory Services, Illumina).